The following is an entry in ClinVar:

ClinVar aggregate classification (germline): Uncertain significance. Review status: criteria provided, multiple submitters, no conflicts (2 of 4 stars). 2 submissions from 2 submitters: Uncertain significance (2). Last evaluated 2025-07-29.

Conditions:
Familial cancer of breast. Also called: BREAST CANCER, FAMILIAL; hereditary breast carcinoma; Hereditary breast cancer. Identifiers: Orphanet 227535, MedGen C0346153, MONDO:0016419, OMIM 114480. Disease mechanism: loss of function.
Fanconi anemia complementation group J. Also called: BRIP1-Related Fanconi Anemia. Identifiers: Orphanet 84, MedGen C1836860, MONDO:0012187, OMIM 609054.

Submissions (2):

Labcorp Genetics (formerly Invitae), Labcorp
Classification: Uncertain significance for Familial cancer of breast; Fanconi anemia complementation group J. Last evaluated: 2025-07-29. Review status: criteria provided, single submitter. Criteria: Invitae Variant Classification Sherloc (09022015). Collection method: clinical testing. Allele origin: germline.
Comment: This sequence change replaces threonine, which is neutral and polar, with isoleucine, which is neutral and non-polar, at codon 166 of the BRIP1 protein (p.Thr166Ile). This variant is not present in population databases (gnomAD no frequency). This variant has not been reported in the literature in individuals affected with BRIP1-related conditions. ClinVar contains an entry for this variant (Variation ID: 2574793). Invitae Evidence Modeling of protein sequence and biophysical properties (such as structural, functional, and spatial information, amino acid conservation, physicochemical variation, residue mobility, and thermodynamic stability) indicates that this missense variant is not expected to disrupt BRIP1 protein function with a negative predictive value of 95%. In summary, the available evidence is currently insufficient to determine the role of this variant in disease. Therefore, it has been classified as a Variant of Uncertain Significance.

GeneDx
Classification: Uncertain significance. Last evaluated: 2023-02-01. Review status: criteria provided, single submitter. Criteria: GeneDx Variant Classification Process June 2021. Collection method: clinical testing. Allele origin: germline. Affected: yes.
Comment: Not observed at significant frequency in large population cohorts (gnomAD); In silico analysis supports that this missense variant does not alter protein structure/function; Has not been previously published as pathogenic or benign to our knowledge; This variant is associated with the following publications: (PMID: 11301010)

NM_032043.3(BRIP1):c.497C>T (p.Thr166Ile)

Gene: BRIP1 (BRCA1 interacting DNA helicase 1; minus strand). Cytogenetic location: 17q23.2.
Variant type: single nucleotide variant.
Coding change: c.497C>T on transcript NM_032043.3 (MANE Select); coding-DNA position 497, C replaced by T.
Protein change: p.Thr166Ile; replaces threonine 166 with isoleucine.
Molecular consequence: missense variant.
Genome position (GRCh38, 1-based): chr17:61,849,139, G>A on the plus strand (C>T on the coding strand, the complement: BRIP1 is on the minus strand). VCF-style: chr17-61849139-G-A. GRCh37 (hg19) VCF-style: chr17-59926500-G-A.
Other names: short protein forms T166I.
Identifiers: ClinVar variation 2574793 (VCV002574793.3), dbSNP rs2145761727, ClinGen allele CA400484363.